The following is an entry in ClinVar:

NM_000059.4(BRCA2):c.4741G>A (p.Glu1581Lys)

Gene: BRCA2 (BRCA2 DNA repair associated; plus strand). Cytogenetic location: 13q13.1.
Variant type: single nucleotide variant.
Coding change: c.4741G>A on transcript NM_000059.4 (MANE Select); coding-DNA position 4741, G replaced by A.
Protein change: p.Glu1581Lys; replaces glutamic acid 1581 with lysine.
Molecular consequence: missense variant.
Genome position (GRCh38, 1-based): chr13:32,339,096, G>A. VCF-style: chr13-32339096-G-A. GRCh37 (hg19) VCF-style: chr13-32913233-G-A.
Other names: 4969G>A; short protein forms E1581K.
Identifiers: ClinVar variation 37920 (VCV000037920.33), dbSNP rs368952892, ClinGen allele CA020741.

ClinVar aggregate classification (germline): Conflicting classifications of pathogenicity. Review status: criteria provided, conflicting classifications (1 of 4 stars). 12 submissions from 12 submitters: Uncertain significance (8); Likely benign (2). 2 of the submissions do not count toward it. Last evaluated 2025-12-31.

Conditions:
Hereditary cancer-predisposing syndrome. Also called: Hereditary neoplastic syndrome; Neoplastic Syndromes, Hereditary; Tumor predisposition; Hereditary Cancer Syndrome. Identifiers: Orphanet 140162, MedGen C0027672, MeSH D009386, MONDO:0015356.
Hereditary breast ovarian cancer syndrome. Also called: Breast and ovarian cancer; BRCA1- and BRCA2-Associated Hereditary Breast and Ovarian Cancer; Hereditary breast and/or ovarian cancer syndrome; Hereditary breast and ovarian cancer; Hereditary breast and ovarian cancer syndrome; Hereditary breast and ovarian cancer syndrome (HBOC). Identifiers: Orphanet 145, MedGen C0677776, MeSH D061325, MONDO:0003582. Disease mechanism: loss of function.
Breast-ovarian cancer, familial, susceptibility to, 2 (BROVCA2). Also called: BRCA2 Hereditary Breast and Ovarian Cancer. Identifiers: Orphanet 145, MedGen C2675520, MONDO:0012933, OMIM 612555. Disease mechanism: loss of function.

Allele frequency attached by ClinVar (database versions not stated): gnomAD 0.00001; ESP Exome Variant Server 0.00008; TOPMed 0.00001.
gnomAD v4.1: 2 of 1,613,804 alleles (0.00012%); highest among the groups gnomAD compares: Non-Finnish European, 0.000085%; no homozygotes.

Submissions (12):

Labcorp Genetics (formerly Invitae), Labcorp
Classification: Likely benign for Hereditary breast ovarian cancer syndrome. Last evaluated: 2025-12-31. Review status: criteria provided, single submitter. Criteria: Invitae Variant Classification Sherloc (09022015). Collection method: clinical testing. Allele origin: germline.

Color Diagnostics, LLC DBA Color Health
Classification: Uncertain significance for Hereditary cancer-predisposing syndrome. Last evaluated: 2025-05-13. Review status: criteria provided, single submitter. Criteria: ACMG Guidelines, 2015. Collection method: clinical testing. Allele origin: germline.
Comment: This missense variant replaces glutamic acid with lysine at codon 1581 of the BRCA2 protein. Computational prediction suggests that this variant may not impact protein structure and function. To our knowledge, functional studies have not been reported for this variant. Multifactorial analyses have reported likelihood ratios (LR) reaching a combined LR of 0.7286 based on co-occurrence with a pathogenic variant and personal and family history of 2 carriers (PMID: 31131967, 31853058). This variant has been identified in 3/282414 chromosomes in the general population by the Genome Aggregation Database (gnomAD), and it also has been detected in 1 individual older than age 70 years who has never had cancer (FLOSSIES database). The available evidence is insufficient to determine the role of this variant in disease conclusively. Therefore, this variant is classified as a Variant of Uncertain Significance.

Women's Health and Genetics/Laboratory Corporation of America, LabCorp
Classification: Uncertain significance. Last evaluated: 2025-02-13. Review status: criteria provided, single submitter. Criteria: LabCorp Variant Classification Summary - May 2015. Collection method: clinical testing. Allele origin: germline.
Comment: Variant summary: BRCA2 c.4741G>A (p.Glu1581Lys) results in a conservative amino acid change in the encoded protein sequence. Five of five in-silico tools predict a benign effect of the variant on protein function. This is consistent with its location in a coldspot region where missense variants are very unlikely to be pathogenic (PMID:31911673). The variant allele was found at a frequency of 8e-06 in 251010 control chromosomes. The available data on variant occurrences in the general population are insufficient to allow any conclusion about variant significance. To our knowledge, no occurrence of c.4741G>A in individuals affected with Hereditary Breast And Ovarian Cancer Syndrome and no experimental evidence demonstrating its impact on protein function have been reported. ClinVar contains an entry for this variant (Variation ID: 37920). Based on the evidence outlined above, the variant was classified as VUS-possibly benign.

GeneDx
Classification: Uncertain significance. Last evaluated: 2024-06-10. Review status: criteria provided, single submitter. Criteria: GeneDx Variant Classification Process June 2021. Collection method: clinical testing. Allele origin: germline. Affected: yes.
Comment: Observed in individuals undergoing multi-gene panel testing based on personal and family history of cancer (PMID: 31853058); Not observed at significant frequency in large population cohorts (gnomAD); In silico analysis supports that this missense variant has a deleterious effect on protein structure/function; Also known as 4969G>A; This variant is associated with the following publications: (PMID: 31131967, 32377563, 29884841, 31853058)

All of Us Research Program, National Institutes of Health
Classification: Uncertain significance for Breast-ovarian cancer, familial, susceptibility to, 2. Last evaluated: 2023-10-30. Review status: criteria provided, single submitter. Criteria: ACMG Guidelines, 2015. Collection method: clinical testing. Allele origin: germline. Inheritance: Autosomal dominant inheritance. Observed: 2 variant alleles, 2 heterozygotes.
Comment: This missense variant replaces glutamic acid with lysine at codon 1581 of the BRCA2 protein. Computational prediction suggests that this variant may not impact protein structure and function (internally defined REVEL score threshold <= 0.5, PMID: 27666373). To our knowledge, functional studies have not been reported for this variant. This variant has not been reported in individuals affected with hereditary cancer in the literature. This variant has been identified in 3/282414 chromosomes in the general population by the Genome Aggregation Database (gnomAD). The available evidence is insufficient to determine the role of this variant in disease conclusively. Therefore, this variant is classified as a Variant of Uncertain Significance.

This study involves interpretation of variants in research participants for the purpose of population health screening. Participant phenotype was not available at the time of variant classification. Additional details can be found in publication PMID: 35346344, PMCID: PMC8962531

Ambry Genetics
Classification: Uncertain significance for Hereditary cancer-predisposing syndrome. Last evaluated: 2023-09-14. Review status: criteria provided, single submitter. Criteria: Ambry Variant Classification Scheme 2023. Collection method: clinical testing. Allele origin: germline.
Comment: The p.E1581K variant (also known as c.4741G>A), located in coding exon 10 of the BRCA2 gene, results from a G to A substitution at nucleotide position 4741. The glutamic acid at codon 1581 is replaced by lysine, an amino acid with similar properties. This amino acid position is not well conserved in available vertebrate species. In addition, this alteration is predicted to be tolerated by in silico analysis. Since supporting evidence is limited at this time, the clinical significance of this alteration remains unclear.

University of Washington Department of Laboratory Medicine, University of Washington
Classification: Likely benign for Hereditary cancer-predisposing syndrome. Last evaluated: 2023-03-23. Review status: criteria provided, single submitter. Criteria: Dines et al. (Genet Med. 2020). Collection method: curation. Allele origin: germline.
Comment: Missense variant in a coldspot region where missense variants are very unlikely to be pathogenic (PMID:31911673).

BRCA2 exon 11 coldspot. Reclassification based on statistical prior probability.

Institute for Biomarker Research, Medical Diagnostic Laboratories, L.L.C.
Classification: Uncertain significance for Hereditary cancer-predisposing syndrome. Last evaluated: 2018-01-16. Review status: criteria provided, single submitter. Criteria: ACMG Guidelines, 2015. Collection method: clinical testing. Allele origin: germline.

Molecular Genetics Laboratory, University of Michigan
Classification: Uncertain significance for Breast-ovarian cancer, familial, susceptibility to, 2. Last evaluated: 2016-04-21. Review status: criteria provided, single submitter. Criteria: ACMG Guidelines, 2015. Collection method: clinical testing. Allele origin: germline. Affected: yes.

Quest Diagnostics Nichols Institute San Juan Capistrano
Classification: Uncertain significance for Breast-ovarian cancer, familial, susceptibility to, 2. Last evaluated: 2016-03-19. Review status: criteria provided, single submitter. Criteria: Quest Diagnostics criteria. Collection method: clinical testing. Allele origin: germline. Inheritance: Autosomal dominant inheritance.

Counsyl
Classification: Uncertain significance for Breast-ovarian cancer, familial, susceptibility to, 2. Last evaluated: 2018-03-23. Review status: no assertion criteria provided. Collection method: clinical testing. Allele origin: unknown. Not counted in ClinVar's aggregate classification.

Sharing Clinical Reports Project (SCRP)
Classification: Uncertain significance for Breast-ovarian cancer, familial 2. Last evaluated: 2008-08-12. Review status: no assertion criteria provided. Collection method: clinical testing. Allele origin: germline. Not counted in ClinVar's aggregate classification.

Literature cited by the submitters: PubMed 31131967 (cited by Color Diagnostics, LLC DBA Color Health); PubMed 31853058 (cited by Color Diagnostics, LLC DBA Color Health); PubMed 26295337 (cited by Quest Diagnostics Nichols Institute San Juan Capistrano).